The following is an entry in ClinVar:

ClinVar aggregate classification (germline): Uncertain significance (1 of 4 stars; one submission).

gnomAD v4.1: 2 of 1,609,004 alleles (0.00012%); highest among the groups gnomAD compares: Non-Finnish European, 0.00017%; no homozygotes.

Submission:

Labcorp Genetics (formerly Invitae), Labcorp
Classification: Uncertain significance. Last evaluated: 2025-05-07. Review status: criteria provided, single submitter. Criteria: Invitae Variant Classification Sherloc (09022015). Collection method: clinical testing. Allele origin: germline.
Comment: This sequence change replaces leucine, which is neutral and non-polar, with proline, which is neutral and non-polar, at codon 187 of the IFT88 protein (p.Leu187Pro). This variant is not present in population databases (gnomAD no frequency). This variant has not been reported in the literature in individuals affected with IFT88-related conditions. An algorithm developed to predict the effect of missense changes on protein structure and function (PolyPhen-2) suggests that this variant is likely to be disruptive. In summary, the available evidence is currently insufficient to determine the role of this variant in disease. Therefore, it has been classified as a Variant of Uncertain Significance.

NM_006531.5(IFT88):c.533T>C (p.Leu178Pro)

Gene: IFT88 (intraflagellar transport 88; plus strand). Cytogenetic location: 13q12.11.
Variant type: single nucleotide variant.
Coding change: c.533T>C on transcript NM_006531.5 (MANE Select); coding-DNA position 533, T replaced by C.
Protein change: p.Leu178Pro; replaces leucine 178 with proline.
Molecular consequence: missense variant. On other transcripts: 5 prime UTR variant (1), non-coding transcript variant (5).
Genome position (GRCh38, 1-based): chr13:20,597,058, T>C. VCF-style: chr13-20597058-T-C. GRCh37 (hg19) VCF-style: chr13-21171197-T-C.
Other names: c.476T>C, p.Leu159Pro (NM_001318491.2, NM_001353573.2, NM_001353574.2 and 1 more transcripts); c.560T>C, p.Leu187Pro (NM_001318493.2, NM_001353565.2, NM_001353566.2 and 6 more transcripts); c.533T>C, p.Leu178Pro (NM_001353568.2, NM_001353571.2, NM_001353572.2 and 1 more transcripts); c.-101T>C (NM_001353579.2); short protein forms L187P, L178P, L159P.
Identifiers: ClinVar variation 4697693 (VCV004697693.1).